The following is an entry in ClinVar:

ClinVar aggregate classification (germline): Benign/Likely benign. Review status: criteria provided, multiple submitters, no conflicts (2 of 4 stars). 12 submissions from 10 submitters: Benign (7); Likely benign (3). 2 of the submissions do not count toward it. Last evaluated 2025-09-29.

Conditions:
Leprechaunism syndrome. Also called: LEPRECHAUNISM; Donohue syndrome. Identifiers: Orphanet 508, MedGen C0265344, MONDO:0009517, OMIM 246200.
Rabson-Mendenhall syndrome. Also called: Pineal hyperplasia AND diabetes mellitus syndrome; MENDENHALL SYNDROME; Pineal Hyperplasia, Insulin-Resistant Diabetes Mellitus, and Somatic Abnormalities. Identifiers: Orphanet 769, MedGen C0271695, MONDO:0009874, OMIM 262190.
Hyperinsulinism due to INSR deficiency. Also called: Hyperinsulinism due to glutamodehydrogenase deficiency. Identifiers: Orphanet 263458, MedGen C1864952, MONDO:0012381, OMIM 609968.
Insulin-resistant diabetes mellitus AND acanthosis nigricans. Also called: DIABETES MELLITUS, INSULIN-RESISTANT, WITH ACANTHOSIS NIGRICANS, TYPE A; INSULIN RECEPTOR, DEFECT IN, WITH INSULIN-RESISTANT DIABETES MELLITUS AND ACANTHOSIS NIGRICANS; IRAN, TYPE A; type A insulin resistance; Insulin-resistance syndrome type A. Identifiers: Orphanet 2297, MedGen C0342278, MONDO:0012520, OMIM 610549.

Allele frequency attached by ClinVar (database versions not stated): gnomAD exomes 0.00089 and 0.00182; ExAC 0.00228; 1000 Genomes Project 0.00559; 1000 Genomes Project 30x 0.00593; gnomAD 0.00664 and 0.00614; TOPMed 0.00690; ESP Exome Variant Server 0.00784.
gnomAD v4.1: 2,343 of 1,613,648 alleles (0.15%); highest among the groups gnomAD compares: African/African-American, 2.2%; 22 homozygotes.

Submissions (12):

Labcorp Genetics (formerly Invitae), Labcorp
Classification: Benign. Last evaluated: 2025-09-29. Review status: criteria provided, single submitter. Criteria: Invitae Variant Classification Sherloc (09022015). Collection method: clinical testing. Allele origin: germline.

Genomic Medicine Center of Excellence, King Faisal Specialist Hospital and Research Centre
Classification: Likely benign. Last evaluated: 2025-08-18. Review status: criteria provided, single submitter. Criteria: ACMG Guidelines, 2015. Collection method: clinical testing. Allele origin: germline.

Blueprint Genetics
Classification: Likely benign. Last evaluated: 2024-11-13. Review status: criteria provided, single submitter. Criteria: ACMG Guidelines, 2015. Collection method: clinical testing. Allele origin: germline.

Genetic Services Laboratory, University of Chicago
Classification: Benign. Last evaluated: 2021-02-02. Review status: criteria provided, single submitter. Criteria: ACMG Guidelines, 2015. Collection method: clinical testing. Allele origin: germline. Affected: no.

ARUP Laboratories, Molecular Genetics and Genomics, ARUP Laboratories
Classification: Benign. Last evaluated: 2020-11-30. Review status: criteria provided, single submitter. Criteria: ARUP Molecular Germline Variant Investigation Process 2021. Collection method: clinical testing. Allele origin: germline.

Illumina Laboratory Services, Illumina
Classification: Benign for Rabson-Mendenhall syndrome. Last evaluated: 2018-01-13. Review status: criteria provided, single submitter. Criteria: ICSL Variant Classification Criteria 13 December 2019. Collection method: clinical testing. Allele origin: germline.
Comment: This variant was observed in the ICSL laboratory as part of a predisposition screen in an ostensibly healthy population. It had not been previously curated by ICSL or reported in the Human Gene Mutation Database (HGMD: prior to June 1st, 2018), and was therefore a candidate for classification through an automated scoring system. Utilizing variant allele frequency, disease prevalence and penetrance estimates, and inheritance mode, an automated score was calculated to assess if this variant is too frequent to cause the disease. Based on the score and internal cut-off values, a variant classified as benign is not then subjected to further curation. The score for this variant resulted in a classification of benign for this disease.

Illumina Laboratory Services, Illumina
Classification: Benign for Insulin-resistant diabetes mellitus AND acanthosis nigricans. Last evaluated: 2018-01-13. Review status: criteria provided, single submitter. Criteria: ICSL Variant Classification Criteria 13 December 2019. Collection method: clinical testing. Allele origin: germline.
Comment: the same text as in the submission from Illumina Laboratory Services, Illumina above.

Illumina Laboratory Services, Illumina
Classification: Benign for Leprechaunism syndrome. Last evaluated: 2018-01-13. Review status: criteria provided, single submitter. Criteria: ICSL Variant Classification Criteria 13 December 2019. Collection method: clinical testing. Allele origin: germline.
Comment: the same text as in the submission from Illumina Laboratory Services, Illumina above.

Breakthrough Genomics
Classification: Benign. Review status: criteria provided, single submitter. Criteria: ACMG Guidelines, 2015. Collection method: not provided. Allele origin: germline. Inheritance: Autosomal recessive inheritance. Affected: yes.

Clinical Genomics, Uppaluri K&H Personalized Medicine Clinic
Classification: Likely benign for Hyperinsulinism due to INSR deficiency. Review status: criteria provided, single submitter. Criteria: K And H Uppaluri Personalized Medicine Clinic Variant Classification And Assertion Criteria Updated V 2. Collection method: research. Allele origin: unknown. Inheritance: Autosomal dominant inheritance.
Comment: Potent mutations in INSR gene can lead to insulin resistance, which presents as impaired glucose tolerance, early onset type 2 diabetes, post prandial hyperglycemia and increased insulin requirement in type 1 diabetes. These mutations in INSR gene can also predispose to coronary artery disease, metabolic syndrome, polycystic ovarian disease and non alcoholic fatty liver disease.However, the role of this particular variant rs41306363 with early onset diabetes mellitus is yet to be ascertained.

Clinical Genetics DNA and cytogenetics Diagnostics Lab, Erasmus MC, Erasmus Medical Center
Classification: Benign. Review status: no assertion criteria provided. Collection method: clinical testing. Allele origin: germline. Affected: yes. Study: VKGL Data-share Consensus. Not counted in ClinVar's aggregate classification.

Laboratory of Diagnostic Genome Analysis, Leiden University Medical Center (LUMC)
Classification: Likely benign. Review status: no assertion criteria provided. Collection method: clinical testing. Allele origin: germline. Affected: yes. Study: VKGL Data-share Consensus. Not counted in ClinVar's aggregate classification.

Literature cited by the submitters: PubMed 35000900 (cited by Clinical Genomics, Uppaluri K&H Personalized Medicine Clinic); PubMed 31989990 (cited by Clinical Genomics, Uppaluri K&H Personalized Medicine Clinic); PubMed 23705494 (cited by Clinical Genomics, Uppaluri K&H Personalized Medicine Clinic).

NM_000208.4(INSR):c.2683-5C>T

Gene: INSR (insulin receptor; minus strand). Cytogenetic location: 19p13.2.
Variant type: single nucleotide variant.
Coding change: c.2683-5C>T on transcript NM_000208.4 (MANE Select); 5 bases into the intron before coding-DNA position 2683, C replaced by T.
Molecular consequence: intron variant.
Genome position (GRCh38, 1-based): chr19:7,132,322, G>A on the plus strand (C>T on the coding strand, the complement: INSR is on the minus strand). VCF-style: chr19-7132322-G-A. GRCh37 (hg19) VCF-style: chr19-7132333-G-A.
Other names: c.2647-5C>T (NM_001079817.3).
Identifiers: ClinVar variation 728985 (VCV000728985.27), dbSNP rs41306363, ClinGen allele CA9135474.
Genomic context (GRCh38, chr19:7,132,322, plus strand): 5'-AGCCTGCAGCCCCGTTCCAGAGCGAAGTGCTTGCGGGAGACGCAGAGATGCAGCTCCTGG[G>A]AGGAAGAGAGGAGGAGAAGGAGGGTGGCTGAGCTTTGCACATCTGGGAGTGTCCACCCCT-3'